The following is an entry in ClinVar:

ClinVar aggregate classification (germline): Uncertain significance (1 of 4 stars; one submission).

Conditions:
Neurodevelopmental disorder with hypotonia, facial dysmorphism, and brain abnormalities (NEDHFBA). Also called: PPP1R21-Related El-Hattab-Schmidts Syndrome; EL-HATTAB-SCHMIDTS SYNDROME. Identifiers: MedGen C5543591, MONDO:0859165, OMIM 619383.

Submission:

Illumina Laboratory Services, Illumina
Classification: Uncertain significance for Neurodevelopmental disorder with hypotonia, facial dysmorphism, and brain abnormalities. Last evaluated: 2021-12-08. Review status: criteria provided, single submitter. Criteria: ICSLVariantClassificationCriteria RUGD 01 April 2020. Collection method: clinical testing. Allele origin: unknown.
Comment: The PPP1R21 c.1728G>T (p.Glu576Asp) missense variant results in the substitution of glutamic acid at amino acid position 576 with aspartic acid. To our knowledge, this variant has not been reported in the peer-reviewed literature. This variant is not found in version 2.1.1 or version 3.1.2 of the Genome Aggregation Database. Based on the available evidence, the c.1728G>T (p.Glu576Asp) variant is classified as a variant of uncertain significance for PPP1R21-related neurodevelopmental disorder.

NM_001135629.3(PPP1R21):c.1728G>T (p.Glu576Asp)

Gene: PPP1R21 (protein phosphatase 1 regulatory subunit 21; plus strand). Cytogenetic location: 2p16.3.
Variant type: single nucleotide variant.
Coding change: c.1728G>T on transcript NM_001135629.3 (MANE Select); coding-DNA position 1728, G replaced by T.
Protein change: p.Glu576Asp; replaces glutamic acid 576 with aspartic acid.
Molecular consequence: missense variant. On other transcripts: non-coding transcript variant (1).
Genome position (GRCh38, 1-based): chr2:48,498,528, G>T. VCF-style: chr2-48498528-G-T. GRCh37 (hg19) VCF-style: chr2-48725667-G-T.
Other names: c.1635G>T, p.Glu545Asp (NM_001193475.2); c.1728G>T, p.Glu576Asp (NM_152994.5); short protein forms E545D, E576D.
Identifiers: ClinVar variation 1693297 (VCV001693297.3), dbSNP rs2103634475, ClinGen allele CA346735241.